The following is an entry in ClinVar:

NM_001127453.2(GSDME):c.1416G>A (p.Lys472=)

Gene: GSDME (gasdermin E; minus strand). Cytogenetic location: 7p15.3.
Variant type: single nucleotide variant.
Coding change: c.1416G>A on transcript NM_001127453.2 (MANE Select); coding-DNA position 1416, G replaced by A.
Protein change: p.Lys472=; no amino-acid change (lysine 472 retained).
Molecular consequence: synonymous variant.
Genome position (GRCh38, 1-based): chr7:24,699,101, C>T on the plus strand (G>A on the coding strand, the complement: GSDME is on the minus strand). VCF-style: chr7-24699101-C-T. GRCh37 (hg19) VCF-style: chr7-24738720-C-T.
Other names: c.924G>A, p.Lys308= (NM_001127454.2); c.1416G>A, p.Lys472= (NM_004403.3).
Identifiers: ClinVar variation 179566 (VCV000179566.4), dbSNP rs727504956, ClinGen allele CA184677.

ClinVar aggregate classification (germline): Likely benign (1 of 4 stars; one submission).

gnomAD v4.1: 3 of 1,614,136 alleles (0.00019%); highest among the groups gnomAD compares: South Asian, 0.0033%; no homozygotes.

Submission:

Laboratory for Molecular Medicine, Mass General Brigham Personalized Medicine
Classification: Likely benign. Last evaluated: 2014-02-10. Review status: criteria provided, single submitter. Criteria: LMM Criteria. Collection method: clinical testing. Allele origin: germline. Observed: 1 variant allele.
Comment: Lys472Lys in Exon 10 of DFNA5: This variant is not expected to have clinical sig nificance because it does not alter an amino acid residue and is not located wit hin the splice consensus sequence.